The following is an entry in ClinVar:

ClinVar aggregate classification (germline): Benign/Likely benign. Review status: criteria provided, multiple submitters, no conflicts (2 of 4 stars). 4 submissions from 4 submitters: Benign (1); Likely benign (2). 1 of the submissions does not count toward it. Last evaluated 2026-09-01.

Conditions:
MYO18B-related disorder. Also called: MYO18B-related condition.

Allele frequency attached by ClinVar (database versions not stated): ExAC 0.00125; ESP Exome Variant Server 0.00286; gnomAD 0.00408 and 0.00428; TOPMed 0.00470; 1000 Genomes Project 0.00559; 1000 Genomes Project 30x 0.00562; gnomAD exomes 0.00041 and 0.00101.
gnomAD v4.1: 1,258 of 1,613,692 alleles (0.078%); highest among the groups gnomAD compares: African/African-American, 1.3%; 9 homozygotes.

Submissions (4):

CeGaT Center for Human Genetics Tuebingen
Classification: Likely benign. Last evaluated: 2026-09-01. Review status: criteria provided, single submitter. Criteria: CeGaT Center For Human Genetics Tuebingen Variant Classification Criteria Version 2. Collection method: clinical testing. Allele origin: germline. Affected: yes. Observed: 1 variant allele.
Comment: MYO18B: BS1

Labcorp Genetics (formerly Invitae), Labcorp
Classification: Benign. Last evaluated: 2025-09-15. Review status: criteria provided, single submitter. Criteria: Invitae Variant Classification Sherloc (09022015). Collection method: clinical testing. Allele origin: germline.

Blueprint Genetics
Classification: Likely benign. Last evaluated: 2024-09-23. Review status: criteria provided, single submitter. Criteria: ACMG Guidelines, 2015. Collection method: clinical testing. Allele origin: germline.

PreventionGenetics, part of Exact Sciences
Classification: Benign for MYO18B-related condition. Last evaluated: 2019-06-14. Review status: no assertion criteria provided. Collection method: clinical testing. Allele origin: germline. Not counted in ClinVar's aggregate classification.
Comment: This variant is classified as benign based on ACMG/AMP sequence variant interpretation guidelines (Richards et al. 2015 PMID: 25741868, with internal and published modifications).

NM_032608.7(MYO18B):c.6079C>T (p.Arg2027Cys)

Gene: MYO18B (myosin XVIIIB; plus strand). Cytogenetic location: 22q12.1.
Variant type: single nucleotide variant.
Coding change: c.6079C>T on transcript NM_032608.7 (MANE Select); coding-DNA position 6079, C replaced by T.
Protein change: p.Arg2027Cys; replaces arginine 2027 with cysteine.
Molecular consequence: missense variant.
Genome position (GRCh38, 1-based): chr22:25,955,287, C>T. VCF-style: chr22-25955287-C-T. GRCh37 (hg19) VCF-style: chr22-26351253-C-T.
Other names: c.6082C>T, p.Arg2028Cys (NM_001318245.2); short protein forms R2027C, R2028C.
Identifiers: ClinVar variation 718656 (VCV000718656.14), dbSNP rs150530817, ClinGen allele CA10161391.